The following is an entry in ClinVar:

ClinVar aggregate classification (germline): Likely pathogenic (1 of 4 stars; one submission).

Submission:

Labcorp Genetics (formerly Invitae), Labcorp
Classification: Likely pathogenic. Last evaluated: 2023-08-04. Review status: criteria provided, single submitter. Criteria: Invitae Variant Classification Sherloc (09022015). Collection method: clinical testing. Allele origin: germline.
Comment: In summary, the currently available evidence indicates that the variant is pathogenic, but additional data are needed to prove that conclusively. Therefore, this variant has been classified as Likely Pathogenic. Variants that disrupt the consensus splice site are a relatively common cause of aberrant splicing (PMID: 17576681, 9536098). Algorithms developed to predict the effect of sequence changes on RNA splicing suggest that this variant may disrupt the consensus splice site. An algorithm developed to predict the effect of missense changes on protein structure and function (PolyPhen-2) suggests that this variant is likely to be disruptive. This missense change has been observed in individual(s) with congenital ichthyosis (Invitae). This variant is not present in population databases (gnomAD no frequency). This sequence change replaces glycine, which is neutral and non-polar, with arginine, which is basic and polar, at codon 293 of the SLC27A4 protein (p.Gly293Arg). This variant also falls at the last nucleotide of exon 6, which is part of the consensus splice site for this exon.

Literature cited by the submitters: PubMed 17576681; PubMed 9536098.

NM_005094.4(SLC27A4):c.877G>A (p.Gly293Arg)

Gene: SLC27A4 (solute carrier family 27 member 4; plus strand). Cytogenetic location: 9q34.11.
Variant type: single nucleotide variant.
Coding change: c.877G>A on transcript NM_005094.4 (MANE Select); coding-DNA position 877, G replaced by A.
Protein change: p.Gly293Arg; replaces glycine 293 with arginine.
Molecular consequence: missense variant.
Genome position (GRCh38, 1-based): chr9:128,350,575, G>A. VCF-style: chr9-128350575-G-A. GRCh37 (hg19) VCF-style: chr9-131112854-G-A.
Other names: short protein forms G293R.
Identifiers: ClinVar variation 2787144 (VCV002787144.3), dbSNP rs2539458093, ClinGen allele CA375033176.